The following is an entry in ClinVar:

NM_005562.3(LAMC2):c.*999C>G

Gene: LAMC2 (laminin subunit gamma 2; plus strand). Cytogenetic location: 1q25.3.
Variant type: single nucleotide variant.
Coding change: c.*999C>G on transcript NM_005562.3 (MANE Select); 999 bases downstream of the stop codon, C replaced by G.
Molecular consequence: 3 prime UTR variant.
Genome position (GRCh38, 1-based): chr1:183,244,399, C>G. VCF-style: chr1-183244399-C-G. GRCh37 (hg19) VCF-style: chr1-183213534-C-G.
Identifiers: ClinVar variation 876203 (VCV000876203.4), dbSNP rs73055716, ClinGen allele CA33949702.

ClinVar aggregate classification (germline): Likely benign (1 of 4 stars; one submission).

Conditions:
Junctional epidermolysis bullosa. Identifiers: Orphanet 305, MedGen C0079301, MONDO:0017612.

Allele frequency attached by ClinVar (database versions not stated): 1000 Genomes Project 0.00359; gnomAD 0.00456 and 0.00490; 1000 Genomes Project 30x 0.00484; TOPMed 0.00550.

Submission:

Illumina Laboratory Services, Illumina
Classification: Likely benign for Junctional epidermolysis bullosa. Last evaluated: 2018-01-13. Review status: criteria provided, single submitter. Criteria: ICSL Variant Classification Criteria 13 December 2019. Collection method: clinical testing. Allele origin: germline.
Comment: This variant was observed in the ICSL laboratory as part of a predisposition screen in an ostensibly healthy population. It had not been previously curated by ICSL or reported in the Human Gene Mutation Database (HGMD: prior to June 1st, 2018), and was therefore a candidate for classification through an automated scoring system. Utilizing variant allele frequency, disease prevalence and penetrance estimates, and inheritance mode, an automated score was calculated to assess if this variant is too frequent to cause the disease. Based on the score and internal cut-off values, a variant classified as likely benign is not then subjected to further curation. The score for this variant resulted in a classification of likely benign for this disease.